The following is an entry in ClinVar:

ClinVar aggregate classification (germline): Pathogenic/Likely pathogenic. Review status: criteria provided, multiple submitters, no conflicts (2 of 4 stars). 7 submissions from 7 submitters: Pathogenic (4); Likely pathogenic (3). Last evaluated 2026-02-25.

Conditions:
Leber congenital amaurosis (LCA). Also called: Leber's amaurosis. Identifiers: Orphanet 65, MedGen C0339527, MeSH D057130, MONDO:0018998.
Leber congenital amaurosis 13 (LCA13). Identifiers: MedGen C2675186, MONDO:0012990, OMIM 612712.
RDH12-related disorder. Also called: RDH12-related disorders; RDH12-related condition.

Allele frequency attached by ClinVar (database versions not stated): ExAC 0.00002; gnomAD 0.00003; TOPMed 0.00004; ESP Exome Variant Server 0.00015.
gnomAD v4.1: 20 of 1,611,352 alleles (0.0012%); highest among the groups gnomAD compares: African/African-American, 0.004%; no homozygotes.

Submissions (7):

PreventionGenetics, part of Exact Sciences
Classification: Likely pathogenic for RDH12-related condition. Last evaluated: 2026-02-25. Review status: criteria provided, single submitter. Criteria: ACMG Guidelines, 2015. Collection method: clinical testing. Allele origin: germline.
Comment: The RDH12 c.697G>C variant is predicted to result in the amino acid substitution p.Val233Leu. This variant has been reported along with a second RDH12 variant in multiple individuals with retinal disease (Mackay et al. 2011. PubMed ID: 22065924; Lee et al. 2015. PubMed ID: 25910913; Table S1, Thompson et al. 2017. PubMed ID: 29178642). Alternate substitutions of this amino acid (p.Val233Asp, p.Val233Ile, and p.Val233Phe) have also been reported in individuals with retinal disease (Panneman et al. 2023. PubMed ID: 36819107; Scott et al. 2020. PubMed ID: 32014858; Table S4, Jespersgaard et al. 2019. PubMed ID: 30718709). This variant is reported in 0.0029% of alleles in individuals of Latino descent in gnomAD. This variant is interpreted as likely pathogenic.

Labcorp Genetics (formerly Invitae), Labcorp
Classification: Pathogenic for Leber congenital amaurosis 13. Last evaluated: 2025-12-28. Review status: criteria provided, single submitter. Criteria: Invitae Variant Classification Sherloc (09022015). Collection method: clinical testing. Allele origin: germline.
Comment: This sequence change replaces valine, which is neutral and non-polar, with leucine, which is neutral and non-polar, at codon 233 of the RDH12 protein (p.Val233Leu). This variant is present in population databases (rs140257538, gnomAD 0.003%). This missense change has been observed in individuals with autosomal recessive retinal dystrophy (PMID: 25910913, 29178642, 30372751). It has also been observed to segregate with disease in related individuals. This variant is also known as c.700G>C. ClinVar contains an entry for this variant (Variation ID: 866751). Invitae Evidence Modeling of protein sequence and biophysical properties (such as structural, functional, and spatial information, amino acid conservation, physicochemical variation, residue mobility, and thermodynamic stability) has been performed for this missense variant. However, the output from this modeling did not meet the statistical confidence thresholds required to predict the impact of this variant on RDH12 protein function. This variant disrupts the p.Val233 amino acid residue in RDH12. Other variant(s) that disrupt this residue have been observed in individuals with RDH12-related conditions (PMID: 20683928, 30718709), which suggests that this may be a clinically significant amino acid residue. For these reasons, this variant has been classified as Pathogenic.

Natera, Inc.
Classification: Pathogenic for Leber congenital amaurosis. Last evaluated: 2025-11-25. Review status: criteria provided, single submitter. Criteria: Natera Variant Classification Schema (03/2026). Collection method: clinical testing. Allele origin: germline.
Comment: The c.697G>C variant in RDH12 is a missense variant predicted to cause substitution of valine to leucine at amino acid 233. This variant is rare in the general population with a frequency below the threshold expected for the associated phenotype(s). This variant has been observed in one or more individuals affected with the associated recessive disease, as either homozygous or compound heterozygous with a second variant (PMID: 22065924, 29178642, 31736247, 30979730, 25910913, 30372751). A different variant at the same position has been determined to be Pathogenic or Likely Pathogenic. Computational prediction algorithms indicate this variant is likely to affect gene or protein function. Given the available evidence, this variant is classified as Pathogenic.

SingHealth Duke-NUS Institute of Precision Medicine
Classification: Likely pathogenic for Leber congenital amaurosis 13. Last evaluated: 2025-02-05. Review status: criteria provided, single submitter. Criteria: PRISM ACMG Classification Criteria. Collection method: clinical testing. Allele origin: germline. Affected: yes.
Comment: Variant is located in a mutational hotspot where >50% of classified variants are pathogenic (PM1). Homozygous allele count in gnomAD exomes and genomes are less than 2 (PM2). Other variants at this amino acid residue have been classified as pathogenic (PM5, p.Val233Ile; p.Val233Asp). REVEL score is 0.684 (PP3)

Blueprint Genetics
Classification: Pathogenic for RDH12-related disorders. Last evaluated: 2024-08-07. Review status: criteria provided, single submitter. Criteria: ACMG Guidelines, 2015. Collection method: clinical testing. Allele origin: germline. Affected: yes. Observed: 5 variant alleles.

Fulgent Genetics
Classification: Pathogenic for Leber congenital amaurosis 13. Last evaluated: 2024-06-13. Review status: criteria provided, single submitter. Criteria: ACMG Guidelines, 2015. Collection method: clinical testing. Allele origin: germline.

3billion
Classification: Likely pathogenic for Leber congenital amaurosis 13. Last evaluated: 2022-01-03. Review status: criteria provided, single submitter. Criteria: ACMG Guidelines, 2015. Collection method: clinical testing. Allele origin: germline. Affected: yes. Observed: 1 heterozygote.
Comment: Same nucleotide change resulting in same amino acid change has been previously reported as pathogenic/likely pathogenic with strong evidence (ClinVar ID: VCV000866751, PMID:22065924, PS1_S). A different missense change at the same codon has been reported to be associated with RDH12 related disorder (ClinVar ID: VCV000805926, PMID:32014858,20683928, PM5_P). In silico tool predictions suggest damaging effect of the variant on gene or gene product (REVEL: 0.684, PP3_P). A missense variant is a common mechanism associated with Leber congenital amaurosis 13 (PP2_P). It is observed at an extremely low frequency in the gnomAD v2.1.1 dataset (total allele frequency: 0.000012, PM2_M). Therefore, this variant is classified as likely pathogenic according to the recommendation of ACMG/AMP guideline.

Literature cited by the submitters: PubMed 25910913 (cited by Labcorp Genetics (formerly Invitae), Labcorp and Natera, Inc.); PubMed 29178642 (cited by Labcorp Genetics (formerly Invitae), Labcorp and Natera, Inc.); PubMed 30372751 (cited by Labcorp Genetics (formerly Invitae), Labcorp and Natera, Inc.); PubMed 20683928 (cited by Labcorp Genetics (formerly Invitae), Labcorp); PubMed 30718709 (cited by Labcorp Genetics (formerly Invitae), Labcorp); PubMed 22065924 (cited by Natera, Inc. and 3billion); PubMed 31736247 (cited by Natera, Inc.); PubMed 30979730 (cited by Natera, Inc.); PubMed 32014858 (cited by 3billion).

NM_152443.3(RDH12):c.697G>C (p.Val233Leu)

Genes: GPHN (gephyrin; plus strand), RDH12 (retinol dehydrogenase 12; plus strand), ZFYVE26 (zinc finger FYVE-type containing 26; minus strand). Cytogenetic location: 14q24.1.
Variant type: single nucleotide variant.
Coding change: c.697G>C on transcript NM_152443.3 (MANE Select); coding-DNA position 697, G replaced by C.
Protein change: p.Val233Leu; replaces valine 233 with leucine.
Molecular consequence: missense variant.
Genome position (GRCh38, 1-based): chr14:67,729,229, G>C. VCF-style: chr14-67729229-G-C. GRCh37 (hg19) VCF-style: chr14-68195946-G-C.
Other names: short protein forms V233L.
Identifiers: ClinVar variation 866751 (VCV000866751.19), dbSNP rs140257538, ClinGen allele CA7238794.